The following is an entry in ClinVar:

ClinVar aggregate classification (germline): Uncertain significance (1 of 4 stars; one submission).

Submission:

Labcorp Genetics (formerly Invitae), Labcorp
Classification: Uncertain significance. Last evaluated: 2025-07-27. Review status: criteria provided, single submitter. Criteria: Invitae Variant Classification Sherloc (09022015). Collection method: clinical testing. Allele origin: germline.
Comment: This sequence change replaces arginine, which is basic and polar, with histidine, which is basic and polar, at codon 403 of the CFP protein (p.Arg403His). The frequency data for this variant in the population databases is considered unreliable, as metrics indicate poor data quality at this position in the gnomAD database. This variant has not been reported in the literature in individuals affected with CFP-related conditions. Invitae Evidence Modeling of protein sequence and biophysical properties (such as structural, functional, and spatial information, amino acid conservation, physicochemical variation, residue mobility, and thermodynamic stability) indicates that this missense variant is expected to disrupt CFP protein function with a positive predictive value of 80%. In summary, the available evidence is currently insufficient to determine the role of this variant in disease. Therefore, it has been classified as a Variant of Uncertain Significance.

NM_001145252.3(CFP):c.1208G>A (p.Arg403His)

Gene: CFP (complement factor properdin; minus strand). Cytogenetic location: Xp11.23.
Variant type: single nucleotide variant.
Coding change: c.1208G>A on transcript NM_001145252.3 (MANE Select); coding-DNA position 1208, G replaced by A.
Protein change: p.Arg403His; replaces arginine 403 with histidine.
Molecular consequence: missense variant.
Genome position (GRCh38, 1-based): chrX:47,626,094, C>T on the plus strand (G>A on the coding strand, the complement: CFP is on the minus strand). VCF-style: chrX-47626094-C-T. GRCh37 (hg19) VCF-style: chrX-47485493-C-T.
Other names: c.1208G>A, p.Arg403His (NM_002621.2); short protein forms R403H.
Identifiers: ClinVar variation 4768473 (VCV004768473.1).